The following is an entry in ClinVar:

ClinVar aggregate classification (germline): Likely benign. Review status: criteria provided, multiple submitters, no conflicts (2 of 4 stars). 3 submissions from 3 submitters: Likely benign (3). Last evaluated 2024-08-14.

Conditions:
Episodic ataxia type 2 (EA2). Also called: ATAXIA, EPISODIC, WITH NYSTAGMUS; ATAXIA, FAMILIAL PAROXYSMAL; CEREBELLAR ATAXIA, PAROXYSMAL, ACETAZOLAMIDE-RESPONSIVE; CEREBELLOPATHY, HEREDITARY PAROXYSMAL; EPISODIC ATAXIA, NYSTAGMUS-ASSOCIATED; ACETAZOLAMIDE-RESPONSIVE HEREDITARY PAROXYSMAL CEREBELLAR ATAXIA. Identifiers: Orphanet 97, MedGen C1720416, MONDO:0007163, OMIM 108500.
Developmental and epileptic encephalopathy, 42 (DEE42A). Also called: DEVELOPMENTAL AND EPILEPTIC ENCEPHALOPATHY 42A; EPILEPTIC ENCEPHALOPATHY, EARLY INFANTILE, 42A; Epileptic encephalopathy, early infantile, 42. Identifiers: MedGen C4310716, MONDO:0014917, OMIM 617106.

Allele frequency attached by ClinVar (database versions not stated): TOPMed 0.00003.
gnomAD v4.1: 6 of 1,613,370 alleles (0.00037%); highest among the groups gnomAD compares: African/African-American, 0.008%; no homozygotes.

Submissions (3):

Labcorp Genetics (formerly Invitae), Labcorp
Classification: Likely benign for Developmental and epileptic encephalopathy, 42; Episodic ataxia type 2. Last evaluated: 2024-08-14. Review status: criteria provided, single submitter. Criteria: Invitae Variant Classification Sherloc (09022015). Collection method: clinical testing. Allele origin: germline.

Women's Health and Genetics/Laboratory Corporation of America, LabCorp
Classification: Likely benign. Last evaluated: 2024-08-14. Review status: criteria provided, single submitter. Criteria: LabCorp Variant Classification Summary - May 2015. Collection method: clinical testing. Allele origin: germline.

GeneDx
Classification: Likely benign. Last evaluated: 2017-10-18. Review status: criteria provided, single submitter. Criteria: GeneDx Variant Classification (06012015). Collection method: clinical testing. Allele origin: germline. Affected: yes.
Comment: This variant is considered likely benign or benign based on one or more of the following criteria: it is a conservative change, it occurs at a poorly conserved position in the protein, it is predicted to be benign by multiple in silico algorithms, and/or has population frequency not consistent with disease.

NM_001127222.2(CACNA1A):c.5401-10G>T

Gene: CACNA1A (calcium voltage-gated channel subunit alpha1 A; minus strand). Cytogenetic location: 19p13.13.
Variant type: single nucleotide variant.
Coding change: c.5401-10G>T on transcript NM_001127222.2 (MANE Select); 10 bases into the intron before coding-DNA position 5401, G replaced by T.
Molecular consequence: intron variant.
Genome position (GRCh38, 1-based): chr19:13,230,219, C>A on the plus strand (G>T on the coding strand, the complement: CACNA1A is on the minus strand). VCF-style: chr19-13230219-C-A. GRCh37 (hg19) VCF-style: chr19-13341033-C-A.
Other names: c.5404-10G>T (NM_001127221.2); c.5410-10G>T (NM_001174080.2); c.5419-10G>T (NM_000068.4, NM_023035.3).
Identifiers: ClinVar variation 512703 (VCV000512703.5), dbSNP rs370129945, ClinGen allele CA305512815.
Genomic context (GRCh38, chr19:13,230,219, plus strand): 5'-GGTGAGGTACTCAAAGTTGTCCATGATGACGGCGACAAAGAGATTCAGCATCTGTGGGGA[C>A]CCCGGGGACCAAGAGAGAATGGGGGCAGAGACCGAGGGAATGAATGAGTGAGTGAGAAGG-3'